The following is an entry in ClinVar:

NM_018063.5(HELLS):c.2005A>G (p.Ile669Val)

Gene: HELLS (helicase, lymphoid specific; plus strand). Cytogenetic location: 10q23.33.
Variant type: single nucleotide variant.
Coding change: c.2005A>G on transcript NM_018063.5 (MANE Select); coding-DNA position 2005, A replaced by G.
Protein change: p.Ile669Val; replaces isoleucine 669 with valine.
Molecular consequence: missense variant.
Genome position (GRCh38, 1-based): chr10:94,593,532, A>G. VCF-style: chr10-94593532-A-G. GRCh37 (hg19) VCF-style: chr10-96353289-A-G.
Other names: c.2143A>G, p.Ile715Val (NM_001289067.2); c.1957A>G, p.Ile653Val (NM_001289068.2); c.1909A>G, p.Ile637Val (NM_001289069.2); c.1711A>G, p.Ile571Val (NM_001289070.2); c.1633A>G, p.Ile545Val (NM_001289071.2); c.1615A>G, p.Ile539Val (NM_001289072.2); c.1591A>G, p.Ile531Val (NM_001289073.2); c.922A>G, p.Ile308Val (NM_001289074.2); and 2 more; short protein forms I531V, I669V, I715V, I545V, I571V, I637V, I263V, I308V.
Identifiers: ClinVar variation 2166170 (VCV002166170.5), dbSNP rs188843001, ClinGen allele CA5615638.

ClinVar aggregate classification (germline): Uncertain significance. Review status: criteria provided, multiple submitters, no conflicts (2 of 4 stars). 3 submissions from 3 submitters: Uncertain significance (3). Last evaluated 2025-12-08.

Conditions:
Inborn genetic diseases. Identifiers: MedGen C0950123, MeSH D030342.

Allele frequency attached by ClinVar (database versions not stated): ExAC 0.00002; gnomAD 0.00002; TOPMed 0.00002; gnomAD exomes 0.00006; 1000 Genomes Project 30x 0.00031; 1000 Genomes Project 0.00040.
gnomAD v4.1: 84 of 1,613,626 alleles (0.0052%); highest among the groups gnomAD compares: East Asian, 0.19%; 1 homozygote.

Submissions (3):

Labcorp Genetics (formerly Invitae), Labcorp
Classification: Uncertain significance. Last evaluated: 2025-12-08. Review status: criteria provided, single submitter. Criteria: Invitae Variant Classification Sherloc (09022015). Collection method: clinical testing. Allele origin: germline.
Comment: This sequence change replaces isoleucine, which is neutral and non-polar, with valine, which is neutral and non-polar, at codon 669 of the HELLS protein (p.Ile669Val). This variant is present in population databases (rs188843001, gnomAD 0.04%). This variant has not been reported in the literature in individuals affected with HELLS-related conditions. ClinVar contains an entry for this variant (Variation ID: 2166170). An algorithm developed to predict the effect of missense changes on protein structure and function (PolyPhen-2) suggests that this variant is likely to be tolerated. In summary, the available evidence is currently insufficient to determine the role of this variant in disease. Therefore, it has been classified as a Variant of Uncertain Significance.

Ambry Genetics
Classification: Uncertain significance for Inborn genetic diseases. Last evaluated: 2025-05-23. Review status: criteria provided, single submitter. Criteria: Ambry Variant Classification Scheme 2023. Collection method: clinical testing. Allele origin: germline.

GeneDx
Classification: Uncertain significance. Last evaluated: 2023-06-21. Review status: criteria provided, single submitter. Criteria: GeneDx Variant Classification Process June 2021. Collection method: clinical testing. Allele origin: germline. Affected: yes.
Comment: In silico analysis supports that this missense variant does not alter protein structure/function; Has not been previously published as pathogenic or benign to our knowledge